The following is an entry in ClinVar:

ClinVar aggregate classification (germline): Uncertain significance (1 of 4 stars; one submission).

Allele frequency attached by ClinVar (database versions not stated): TOPMed below 0.00001; gnomAD exomes 0.00001.
gnomAD v4.1: 10 of 1,559,888 alleles (0.00064%); highest among the groups gnomAD compares: Non-Finnish European, 0.0008%; no homozygotes.

Submission:

Labcorp Genetics (formerly Invitae), Labcorp
Classification: Uncertain significance. Last evaluated: 2022-04-16. Review status: criteria provided, single submitter. Criteria: Invitae Variant Classification Sherloc (09022015). Collection method: clinical testing. Allele origin: germline.
Comment: This sequence change replaces glycine, which is neutral and non-polar, with aspartic acid, which is acidic and polar, at codon 59 of the POGLUT1 protein (p.Gly59Asp). This variant also falls at the last nucleotide of exon 2, which is part of the consensus splice site for this exon. This variant is not present in population databases (gnomAD no frequency). This variant has not been reported in the literature in individuals affected with POGLUT1-related conditions. Algorithms developed to predict the effect of missense changes on protein structure and function are either unavailable or do not agree on the potential impact of this missense change (SIFT: "Not Available"; PolyPhen-2: "Benign"; Align-GVGD: "Not Available"). Variants that disrupt the consensus splice site are a relatively common cause of aberrant splicing (PMID: 17576681, 9536098). In summary, the available evidence is currently insufficient to determine the role of this variant in disease. Therefore, it has been classified as a Variant of Uncertain Significance.

Literature cited by the submitters: PubMed 17576681; PubMed 9536098.

NM_152305.3(POGLUT1):c.176G>A (p.Gly59Asp)

Gene: POGLUT1 (protein O-glucosyltransferase 1; plus strand). Cytogenetic location: 3q13.33.
Variant type: single nucleotide variant.
Coding change: c.176G>A on transcript NM_152305.3 (MANE Select); coding-DNA position 176, G replaced by A.
Protein change: p.Gly59Asp; replaces glycine 59 with aspartic acid.
Molecular consequence: missense variant. On other transcripts: non-coding transcript variant (1).
Genome position (GRCh38, 1-based): chr3:119,469,910, G>A. VCF-style: chr3-119469910-G-A. GRCh37 (hg19) VCF-style: chr3-119188757-G-A.
Other names: c.176G>A, p.Gly59Asp (NM_020231.3); short protein forms G59D.
Identifiers: ClinVar variation 2195480 (VCV002195480.4), dbSNP rs2081450005, ClinGen allele CA354035576.